The following is an entry in ClinVar:

NM_001848.3(COL6A1):c.1115A>G (p.Glu372Gly)

Gene: COL6A1 (collagen type VI alpha 1 chain; plus strand). Cytogenetic location: 21q22.3.
Variant type: single nucleotide variant.
Coding change: c.1115A>G on transcript NM_001848.3 (MANE Select); coding-DNA position 1115, A replaced by G.
Protein change: p.Glu372Gly; replaces glutamic acid 372 with glycine.
Molecular consequence: missense variant.
Genome position (GRCh38, 1-based): chr21:45,991,037, A>G. VCF-style: chr21-45991037-A-G. GRCh37 (hg19) VCF-style: chr21-47410951-A-G.
Other names: p.Glu372Gly; short protein forms E372G.
Identifiers: ClinVar variation 282894 (VCV000282894.33), dbSNP rs149338158, ClinGen allele CA10070083.

ClinVar aggregate classification (germline): Conflicting classifications of pathogenicity. Review status: criteria provided, conflicting classifications (1 of 4 stars). 8 submissions from 8 submitters: Uncertain significance (6); Likely benign (2). Last evaluated 2025-10-29.

Conditions:
Collagen 6-related myopathy. Identifiers: MedGen CN117976, MONDO:0100225.
Bethlem myopathy 1A. Also called: Bethlem myopathy 1; MYOPATHY, BENIGN CONGENITAL, WITH CONTRACTURES; Bethlem Muscular Dystrophy. Identifiers: Orphanet 610, MedGen CN029274, MONDO:0024530, OMIM 158810.

Allele frequency attached by ClinVar (database versions not stated): ExAC 0.00022; gnomAD exomes 0.00030 and 0.00043; 1000 Genomes Project 30x 0.00031; ESP Exome Variant Server 0.00031; gnomAD 0.00031; TOPMed 0.00035; 1000 Genomes Project 0.00040.
gnomAD v4.1: 667 of 1,613,000 alleles (0.041%); highest among the groups gnomAD compares: Admixed American, 0.097%; no homozygotes.

Submissions (8):

Labcorp Genetics (formerly Invitae), Labcorp
Classification: Likely benign for Bethlem myopathy 1A. Last evaluated: 2025-10-29. Review status: criteria provided, single submitter. Criteria: Invitae Variant Classification Sherloc (09022015). Collection method: clinical testing. Allele origin: germline.

Women's Health and Genetics/Laboratory Corporation of America, LabCorp
Classification: Uncertain significance. Last evaluated: 2025-09-10. Review status: criteria provided, single submitter. Criteria: LabCorp Variant Classification Summary - May 2015. Collection method: clinical testing. Allele origin: germline.
Comment: Variant summary: COL6A1 c.1115A>G (p.Glu372Gly) results in a non-conservative amino acid change in the encoded protein sequence. Algorithms developed to predict the effect of missense changes on protein structure and function are either unavailable or do not agree on the potential impact of this missense change. The variant allele was found at a frequency of 0.0003 in 250472 control chromosomes, predominantly at a frequency of 0.00098 within the Latino subpopulation in the gnomAD database. This frequency is not significantly higher than estimated for disease-causing variants in COL6A1, allowing no conclusion about variant significance. c.1115A>G has been observed in one individual affected with Limbgirdle muscular dystrophies (Nallamilli _2018). These report(s) do not provide unequivocal conclusions about association of the variant with Ullrich congenital muscular dystrophy 1. To our knowledge, no experimental evidence demonstrating an impact on protein function has been reported. The following publication has been ascertained in the context of this evaluation (PMID: 30564623). ClinVar contains an entry for this variant (Variation ID: 282894). Based on the evidence outlined above, the variant was classified as uncertain significance.

Revvity Omics, Revvity
Classification: Uncertain significance. Last evaluated: 2024-05-17. Review status: criteria provided, single submitter. Criteria: ACMG Guidelines, 2015. Collection method: clinical testing. Allele origin: germline.

Mayo Clinic Laboratories, Mayo Clinic
Classification: Uncertain significance. Last evaluated: 2023-05-04. Review status: criteria provided, single submitter. Criteria: ACMG Guidelines, 2015. Collection method: clinical testing. Allele origin: germline. Observed: 1 variant allele.

GeneDx
Classification: Uncertain significance. Last evaluated: 2023-04-27. Review status: criteria provided, single submitter. Criteria: GeneDx Variant Classification Process June 2021. Collection method: clinical testing. Allele origin: germline. Affected: yes.
Comment: Observed as heterozygous variant in two individuals with clinically suspected limb-girdle muscular dystrophy; however, the authors classified E372G as a variant of uncertain significance (Nallamilli et al., 2018); In silico analysis supports that this missense variant does not alter protein structure/function; This variant is associated with the following publications: (PMID: 30564623)

Athena Diagnostics
Classification: Likely benign. Last evaluated: 2018-11-26. Review status: criteria provided, single submitter. Criteria: Athena Diagnostics Criteria. Collection method: clinical testing. Allele origin: germline.

Eurofins Ntd Llc (ga)
Classification: Uncertain significance. Last evaluated: 2018-03-29. Review status: criteria provided, single submitter. Criteria: EGL ClinVar v180209 classification definitions. Collection method: clinical testing. Allele origin: germline. Observed: 7 variant alleles, 7 heterozygotes.

Illumina Laboratory Services, Illumina
Classification: Uncertain significance for Collagen VI-related myopathy. Last evaluated: 2018-01-12. Review status: criteria provided, single submitter. Criteria: ICSL Variant Classification Criteria 13 December 2019. Collection method: clinical testing. Allele origin: germline.

Literature cited by the submitters: PubMed 30564623 (cited by Women's Health and Genetics/Laboratory Corporation of America, LabCorp and Mayo Clinic Laboratories, Mayo Clinic).